The following is an entry in ClinVar:

NM_002332.3(LRP1):c.12407T>G (p.Val4136Gly)

Gene: LRP1 (LDL receptor related protein 1; plus strand). Cytogenetic location: 12q13.3.
Variant type: single nucleotide variant.
Coding change: c.12407T>G on transcript NM_002332.3 (MANE Select); coding-DNA position 12407, T replaced by G.
Protein change: p.Val4136Gly; replaces valine 4136 with glycine.
Molecular consequence: missense variant.
Genome position (GRCh38, 1-based): chr12:57,209,836, T>G. VCF-style: chr12-57209836-T-G. GRCh37 (hg19) VCF-style: chr12-57603619-T-G.
Other names: short protein forms V4136G.
Identifiers: ClinVar variation 1704206 (VCV001704206.3), dbSNP rs2548090246, ClinGen allele CA385456050.

ClinVar aggregate classification (germline): Uncertain significance. Review status: criteria provided, single submitter (1 of 4 stars). 2 submissions from 2 submitters: Uncertain significance (1). 1 of the submissions does not count toward it.

Submissions (2):

Rady Children's Institute for Genomic Medicine, Rady Children's Hospital San Diego
Classification: Uncertain significance. Review status: criteria provided, single submitter. Criteria: ACMG Guidelines, 2015. Collection method: clinical testing. Allele origin: germline. Affected: yes.
Comment: This variant has not been previously reported or functionally characterized in the literature to our knowledge. It is absent from the ExAC and gnomAD population databases and thus is presumed to be rare. The c.12407T>G (p.Val4136Gly) variant affects a highly conserved amino acid and is predicted by multiple in silico tools to have a deleterious effect on protein function. Based on the available evidence, the c.12407T>G (p.Val4136Gly) variant is classified as a Variant of Uncertain Significance.

OMIM
Classification: Uncertain significance for VARIANT OF UNKNOWN SIGNIFICANCE. Last evaluated: 2024-03-04. Review status: no assertion criteria provided. Collection method: literature only. Allele origin: germline. Not counted in ClinVar's aggregate classification.

Literature cited by the submitters: PubMed 36307211 (cited by OMIM).